The following is an entry in ClinVar:

ClinVar aggregate classification (germline): Pathogenic. Review status: criteria provided, multiple submitters, no conflicts (2 of 4 stars). 3 submissions from 3 submitters: Pathogenic (2). 1 of the submissions does not count toward it. Last evaluated 2025-05-01.

Conditions:
Polycystic kidney disease, adult type (PKD1). Also called: Polycystic Kidney Disease 1, Autosomal Dominant; Polycystic kidney disease 1; Polycystic kidney disease 1, severe; POLYCYSTIC KIDNEY DISEASE 1 WITH OR WITHOUT POLYCYSTIC LIVER DISEASE; Polycystic Kidney, Autosomal Dominant; POLYCYSTIC KIDNEY DISEASE, ADULT, TYPE I. Identifiers: MedGen C3149841, MONDO:0008263, OMIM 173900.

Submissions (3):

Women's Health and Genetics/Laboratory Corporation of America, LabCorp
Classification: Pathogenic for Polycystic kidney disease, adult type. Last evaluated: 2025-05-01. Review status: criteria provided, single submitter. Criteria: LabCorp Variant Classification Summary - May 2015. Collection method: clinical testing. Allele origin: germline.
Comment: Variant summary: PKD1 c.4861C>T (p.Gln1621X) results in a premature termination codon, predicted to cause absence of the protein due to nonsense mediated decay, which is a commonly known mechanism for disease. The variant was absent in 249238 control chromosomes (gnomAD). c.4861C>T has been observed in individuals affected with Polycystic Kidney Disease 1 (e.g., Rossetti_2012, Groopman_2019, Kim_2019, Al-Hamed_2022, Duan_2024). These data indicate that the variant is likely to be associated with disease. The following publications have been ascertained in the context of this evaluation (PMID: 22383692, 30586318, 31740684, 36177613, 39019822). ClinVar contains an entry for this variant (Variation ID: 562258). Based on the evidence outlined above, the variant was classified as pathogenic.

Fulgent Genetics
Classification: Pathogenic for Polycystic kidney disease, adult type. Last evaluated: 2021-11-18. Review status: criteria provided, single submitter. Criteria: ACMG Guidelines, 2015. Collection method: clinical testing. Allele origin: unknown.

Gharavi Laboratory, Columbia University
Classification: Pathogenic. Last evaluated: 2018-09-16. Review status: no assertion criteria provided. Criteria: ACMG Guidelines, 2015. Collection method: research. Allele origin: germline. Affected: yes. Not counted in ClinVar's aggregate classification.

Literature cited by the submitters: PubMed 30586318 (cited by Women's Health and Genetics/Laboratory Corporation of America, LabCorp); PubMed 31740684 (cited by Women's Health and Genetics/Laboratory Corporation of America, LabCorp); PubMed 22383692 (cited by Women's Health and Genetics/Laboratory Corporation of America, LabCorp); PubMed 36177613 (cited by Women's Health and Genetics/Laboratory Corporation of America, LabCorp); PubMed 39019822 (cited by Women's Health and Genetics/Laboratory Corporation of America, LabCorp).

NM_001009944.3(PKD1):c.4861C>T (p.Gln1621Ter)

Gene: PKD1 (polycystin 1, transient receptor potential channel interacting; minus strand). Cytogenetic location: 16p13.3.
Variant type: single nucleotide variant.
Coding change: c.4861C>T on transcript NM_001009944.3 (MANE Select); coding-DNA position 4861, C replaced by T.
Protein change: p.Gln1621Ter; replaces glutamine 1621 with a stop codon.
Molecular consequence: nonsense.
Genome position (GRCh38, 1-based): chr16:2,110,306, G>A on the plus strand (C>T on the coding strand, the complement: PKD1 is on the minus strand). VCF-style: chr16-2110306-G-A. GRCh37 (hg19) VCF-style: chr16-2160307-G-A.
Other names: c.4861C>T, p.Gln1621Ter (NM_000296.4); short protein forms Q1621*.
Identifiers: ClinVar variation 562258 (VCV000562258.3), dbSNP rs1264176877, ClinGen allele CA394379092.